The following is an entry in ClinVar:

ClinVar aggregate classification (germline): Uncertain significance (1 of 4 stars; one submission).

Conditions:
Long QT syndrome (LQTS). Identifiers: MedGen C0023976, MeSH D008133, MONDO:0002442. Disease mechanism: loss of function. Inheritance: Various modes of inheritance.

gnomAD v4.1: 1 of 1,612,534 alleles (0.000062%); highest among the groups gnomAD compares: Non-Finnish European, 0.000085%; no homozygotes.

Submission:

Labcorp Genetics (formerly Invitae), Labcorp
Classification: Uncertain significance for Long QT syndrome. Last evaluated: 2024-06-19. Review status: criteria provided, single submitter. Criteria: Invitae Variant Classification Sherloc (09022015). Collection method: clinical testing. Allele origin: germline.
Comment: This sequence change replaces threonine, which is neutral and polar, with serine, which is neutral and polar, at codon 690 of the AKAP9 protein (p.Thr690Ser). This variant is not present in population databases (gnomAD no frequency). This variant has not been reported in the literature in individuals affected with AKAP9-related conditions. Algorithms developed to predict the effect of missense changes on protein structure and function output the following: SIFT: "Not Available"; PolyPhen-2: "Possibly Damaging"; Align-GVGD: "Not Available". The serine amino acid residue is found in multiple mammalian species, which suggests that this missense change does not adversely affect protein function. In summary, the available evidence is currently insufficient to determine the role of this variant in disease. Therefore, it has been classified as a Variant of Uncertain Significance.

NM_005751.5(AKAP9):c.2069C>G (p.Thr690Ser)

Gene: AKAP9 (A-kinase anchoring protein 9; plus strand). Cytogenetic location: 7q21.2.
Variant type: single nucleotide variant.
Coding change: c.2069C>G on transcript NM_005751.5 (MANE Select); coding-DNA position 2069, C replaced by G.
Protein change: p.Thr690Ser; replaces threonine 690 with serine.
Molecular consequence: missense variant.
Genome position (GRCh38, 1-based): chr7:92,001,986, C>G. VCF-style: chr7-92001986-C-G. GRCh37 (hg19) VCF-style: chr7-91631300-C-G.
Other names: c.2069C>G, p.Thr690Ser (NM_147185.3); short protein forms T690S.
Identifiers: ClinVar variation 3613359 (VCV003613359.2).